The following is an entry in ClinVar:

ClinVar aggregate classification (germline): Likely benign. Review status: criteria provided, multiple submitters, no conflicts (2 of 4 stars). 3 submissions from 3 submitters: Likely benign (3). Last evaluated 2025-09-23.

Allele frequency attached by ClinVar (database versions not stated): ExAC 0.00007; ESP Exome Variant Server 0.00008; gnomAD 0.00010; TOPMed 0.00012; 1000 Genomes Project 30x 0.00016; gnomAD exomes 0.00016; 1000 Genomes Project 0.00020.
gnomAD v4.1: 244 of 1,613,854 alleles (0.015%); highest among the groups gnomAD compares: Non-Finnish European, 0.019%; no homozygotes.

Submissions (3):

Labcorp Genetics (formerly Invitae), Labcorp
Classification: Likely benign. Last evaluated: 2025-09-23. Review status: criteria provided, single submitter. Criteria: Invitae Variant Classification Sherloc (09022015). Collection method: clinical testing. Allele origin: germline.

CeGaT Center for Human Genetics Tuebingen
Classification: Likely benign. Last evaluated: 2023-03-01. Review status: criteria provided, single submitter. Criteria: CeGaT Center For Human Genetics Tuebingen Variant Classification Criteria Version 2. Collection method: clinical testing. Allele origin: germline. Affected: yes. Observed: 2 variant alleles.
Comment: PITRM1: BP4, BP7

Breakthrough Genomics
Classification: Likely benign. Review status: criteria provided, single submitter. Criteria: ACMG Guidelines, 2015. Collection method: not provided. Allele origin: germline. Inheritance: Autosomal recessive inheritance. Affected: yes.

NM_014889.4(PITRM1):c.2886C>T (p.Thr962=)

Gene: PITRM1 (pitrilysin metallopeptidase 1; minus strand). Cytogenetic location: 10p15.2.
Variant type: single nucleotide variant.
Coding change: c.2886C>T on transcript NM_014889.4 (MANE Select); coding-DNA position 2886, C replaced by T.
Protein change: p.Thr962=; no amino-acid change (threonine 962 retained).
Molecular consequence: synonymous variant. On other transcripts: non-coding transcript variant (4).
Genome position (GRCh38, 1-based): chr10:3,138,935, G>A on the plus strand (C>T on the coding strand, the complement: PITRM1 is on the minus strand). VCF-style: chr10-3138935-G-A. GRCh37 (hg19) VCF-style: chr10-3181127-G-A.
Other names: c.2889C>T, p.Thr963= (NM_001242307.2); c.2592C>T, p.Thr864= (NM_001242309.1); c.2688C>T, p.Thr896= (NM_001347725.2); c.2073C>T, p.Thr691= (NM_001347726.2); c.2271C>T, p.Thr757= (NM_001347727.2); c.1581C>T, p.Thr527= (NM_001347728.2); c.2862C>T, p.Thr954= (NM_001347729.1); c.2664C>T, p.Thr888= (NM_001347730.1).
Identifiers: ClinVar variation 1879129 (VCV001879129.31), dbSNP rs372248770, ClinGen allele CA5387178.